The following is an entry in ClinVar:

NM_001110556.2(FLNA):c.6901G>A (p.Glu2301Lys)

Gene: FLNA (filamin A; minus strand). Cytogenetic location: Xq28.
Variant type: single nucleotide variant.
Coding change: c.6901G>A on transcript NM_001110556.2 (MANE Select); coding-DNA position 6901, G replaced by A.
Protein change: p.Glu2301Lys; replaces glutamic acid 2301 with lysine.
Molecular consequence: missense variant.
Genome position (GRCh38, 1-based): chrX:154,351,890, C>T on the plus strand (G>A on the coding strand, the complement: FLNA is on the minus strand). VCF-style: chrX-154351890-C-T. GRCh37 (hg19) VCF-style: chrX-153580258-C-T.
Other names: c.6877G>A, p.Glu2293Lys (NM_001456.4); short protein forms E2301K, E2293K.
Identifiers: ClinVar variation 1460745 (VCV001460745.6), dbSNP rs2148103452, ClinGen allele CA415186109.

ClinVar aggregate classification (germline): Uncertain significance (1 of 4 stars; one submission).

Conditions:
Oto-palato-digital syndrome, type II (OPD2). Also called: FACIOPALATOOSSEOUS SYNDROME; OPD II SYNDROME; Otopalatodigital Syndrome, Type II; Otopalatodigital Syndrome Type 2 (FLNA-OPD2). Identifiers: Orphanet 669, Orphanet 90652, MedGen C1844696, MONDO:0010571, OMIM 304120.
Heterotopia, periventricular, X-linked dominant (PVNH1). Also called: PERIVENTRICULAR NODULAR HETEROTOPIA 4; HETEROTOPIA, PERIVENTRICULAR, 1; PERIVENTRICULAR NODULAR HETEROTOPIA 1; X-linked periventricular heterotopia. Identifiers: Orphanet 2149, Orphanet 82004, MedGen C1848213, MONDO:0010233, OMIM 300049.
Melnick-Needles syndrome (MNS). Also called: MELNICK-NEEDLES OSTEODYSPLASTY; OSTEODYSPLASTY OF MELNICK AND NEEDLES; Melnick-Needles Syndrome (FLNA-MNS). Identifiers: Orphanet 2484, MedGen C0025237, MONDO:0010650, OMIM 309350.
Frontometaphyseal dysplasia (FMD1). Identifiers: Orphanet 1826, MedGen C0265293, MONDO:0015942.

Submission:

Labcorp Genetics (formerly Invitae), Labcorp
Classification: Uncertain significance for Oto-palato-digital syndrome, type II; Heterotopia, periventricular, X-linked dominant; Frontometaphyseal dysplasia; Melnick-Needles syndrome. Last evaluated: 2022-08-09. Review status: criteria provided, single submitter. Criteria: Invitae Variant Classification Sherloc (09022015). Collection method: clinical testing. Allele origin: germline.
Comment: This sequence change replaces glutamic acid, which is acidic and polar, with lysine, which is basic and polar, at codon 2293 of the FLNA protein (p.Glu2293Lys). In summary, the available evidence is currently insufficient to determine the role of this variant in disease. Therefore, it has been classified as a Variant of Uncertain Significance. Advanced modeling of protein sequence and biophysical properties (such as structural, functional, and spatial information, amino acid conservation, physicochemical variation, residue mobility, and thermodynamic stability) performed at Invitae indicates that this missense variant is not expected to disrupt FLNA protein function. ClinVar contains an entry for this variant (Variation ID: 1460745). This variant has not been reported in the literature in individuals affected with FLNA-related conditions. This variant is not present in population databases (gnomAD no frequency).